The following is an entry in ClinVar:

ClinVar aggregate classification (germline): Likely pathogenic (1 of 4 stars; one submission).

Conditions:
Lissencephaly 7 with cerebellar hypoplasia (LIS7). Identifiers: MedGen C4225359, MONDO:0014596, OMIM 616342.

Submissions (2):

Department of Medical Genetics, Sanjay Gandhi Post Graduate Institute of Medical Sciences
Classification: Likely pathogenic for Lissencephaly 7 with cerebellar hypoplasia. Last evaluated: 2023-11-27. Review status: criteria provided, single submitter. Criteria: ACMG Guidelines, 2015. Collection method: research. Allele origin: germline. Inheritance: Autosomal recessive inheritance. Affected: yes. Observed: 1 homozygote.
Comment: The c.149G>A (p.Arg50Gln) variant in CDK5 has not been reported previously and is absent from population databases. CDK5 gene has a low rate of benign missense variations and missense variants are a common mechanism of disease in CDK5 related disorder. In silico functional analysis showed that the variant c.149G>A (p.Arg50Gln) caused instability of the CDK5 protein structure, potentially causing functional disruption. Functional analysis of the p.Arg50Gln variant, using a yeast complementation assay, showed a deleterious impact of the variant. In conclusion, this is the second family with CDK5-related lissencephaly type 7. In summary, the c.149G>A (p.Arg50Gln) variant meets ACMG criteria of a variant of Likely pathogenic ((PM2, PP3, PS3)) based on the absence of the variant in population databases and functional evidence.

Dr. Peter K. Rogan Lab, Western University
No classification provided (evidence only). Condition: Colon adenocarcinoma. Review status: no classification provided. Collection method: in vitro. Allele origin: not applicable. Functional consequence: retained intron. Not counted in ClinVar's aggregate classification.

Literature cited by the submitters: PubMed 40186457 (cited by Department of Medical Genetics, Sanjay Gandhi Post Graduate Institute of Medical Sciences).

NM_004935.4(CDK5):c.149G>A (p.Arg50Gln)

Gene: CDK5 (cyclin dependent kinase 5; minus strand). Cytogenetic location: 7q36.1.
Variant type: single nucleotide variant.
Coding change: c.149G>A on transcript NM_004935.4 (MANE Select); coding-DNA position 149, G replaced by A.
Protein change: p.Arg50Gln; replaces arginine 50 with glutamine.
Molecular consequence: missense variant.
Genome position (GRCh38, 1-based): chr7:151,056,953, C>T on the plus strand (G>A on the coding strand, the complement: CDK5 is on the minus strand). VCF-style: chr7-151056953-C-T. GRCh37 (hg19) VCF-style: chr7-150754040-C-T.
Other names: NC_000007.13:g.150754040C>T; c.149G>A, p.Arg50Gln (NM_001164410.3); short protein forms R50Q.
Identifiers: ClinVar variation 2683824 (VCV002683824.4), dbSNP rs2486426172.
Genomic context (GRCh38, chr7:151,056,953, plus strand): 5'-CCGCCTCCCGCACACCTGACGATGTTCTTGTGCTTCAGCTCCTTGAGTAGGCAGATCTCC[C>T]GGAGGGCGGAACTCGGCACACCCTGCATATGTGAGGGGGCCGGTGGGCAGCAGTCAGATC-3'
Protein context (NP_004926.1, residues 40-60): DDEGVPSSAL[Arg50Gln]EICLLKELKH